The following is an entry in ClinVar:

NM_000069.3(CACNA1S):c.4569C>G (p.Phe1523Leu)

Gene: CACNA1S (calcium voltage-gated channel subunit alpha1 S; minus strand). Cytogenetic location: 1q32.1.
Variant type: single nucleotide variant.
Coding change: c.4569C>G on transcript NM_000069.3 (MANE Select); coding-DNA position 4569, C replaced by G.
Protein change: p.Phe1523Leu; replaces phenylalanine 1523 with leucine.
Molecular consequence: missense variant.
Genome position (GRCh38, 1-based): chr1:201,047,214, G>C on the plus strand (C>G on the coding strand, the complement: CACNA1S is on the minus strand). VCF-style: chr1-201047214-G-C. GRCh37 (hg19) VCF-style: chr1-201016342-G-C.
Other names: short protein forms F1523L.
Identifiers: ClinVar variation 844985 (VCV000844985.16), dbSNP rs995172326, ClinGen allele CA35996260.

ClinVar aggregate classification (germline): Uncertain significance. Review status: criteria provided, multiple submitters, no conflicts (2 of 4 stars). 9 submissions from 6 submitters: Uncertain significance (9). Last evaluated 2026-07-01.

Conditions:
Thyrotoxic periodic paralysis, susceptibility to, 1 (TTPP1). Identifiers: Orphanet 79102, MedGen C2749982, MONDO:0008570, OMIM 188580.
Hypokalemic periodic paralysis, type 1. Also called: HypoPP; Hypokalemic Periodic Paralysis Type 1 (AD). Identifiers: Orphanet 681, MedGen C3714580, MONDO:0042979, OMIM 170400.
Malignant hyperthermia, susceptibility to, 5 (MHS5). Also called: CACNA1S-Related Malignant Hyperthermia Susceptibility. Identifiers: Orphanet 423, MedGen C1866077, MONDO:0011163, OMIM 601887.
Inborn genetic diseases. Identifiers: MedGen C0950123, MeSH D030342.
Congenital myopathy 18. Also called: Myopathy, congenital, due to dihydropyridine receptor defect; DIHYDROPYRIDINE RECEPTOR CONGENITAL MYOPATHY; DHPR CONGENITAL MYOPATHY. Identifiers: MedGen C5830283, MONDO:0859514, OMIM 620246.

Allele frequency attached by ClinVar (database versions not stated): TOPMed below 0.00001.

Submissions (9):

Ambry Genetics
Classification: Uncertain significance for Inborn genetic diseases. Last evaluated: 2026-07-01. Review status: criteria provided, single submitter. Criteria: Ambry Variant Classification Scheme 2023. Collection method: clinical testing. Allele origin: germline.
Comment: The p.F1523L variant (also known as c.4569C>G), located in coding exon 38 of the CACNA1S gene, results from a C to G substitution at nucleotide position 4569. The phenylalanine at codon 1523 is replaced by leucine, an amino acid with highly similar properties. This amino acid position is conserved. In addition, the in silico prediction for this alteration is inconclusive. Based on the available evidence, the clinical significance of this variant remains unclear.

Labcorp Genetics (formerly Invitae), Labcorp
Classification: Uncertain significance for Hypokalemic periodic paralysis, type 1; Malignant hyperthermia, susceptibility to, 5. Last evaluated: 2025-11-17. Review status: criteria provided, single submitter. Criteria: Invitae Variant Classification Sherloc (09022015). Collection method: clinical testing. Allele origin: germline.
Comment: This sequence change replaces phenylalanine, which is neutral and non-polar, with leucine, which is neutral and non-polar, at codon 1523 of the CACNA1S protein (p.Phe1523Leu). This variant is present in population databases (no rsID available, gnomAD 0.0009%). This variant has not been reported in the literature in individuals affected with CACNA1S-related conditions. ClinVar contains an entry for this variant (Variation ID: 844985). Invitae Evidence Modeling of protein sequence and biophysical properties (such as structural, functional, and spatial information, amino acid conservation, physicochemical variation, residue mobility, and thermodynamic stability) indicates that this missense variant is not expected to disrupt CACNA1S protein function with a negative predictive value of 95%. In summary, the available evidence is currently insufficient to determine the role of this variant in disease. Therefore, it has been classified as a Variant of Uncertain Significance.

GeneDx
Classification: Uncertain significance. Last evaluated: 2025-08-20. Review status: criteria provided, single submitter. Criteria: GeneDx Variant Classification Process June 2021. Collection method: clinical testing. Allele origin: germline. Affected: yes.
Comment: Not observed at significant frequency in large population cohorts (gnomAD); In silico analysis supports that this missense variant has a deleterious effect on protein structure/function; Has not been previously published as pathogenic or benign to our knowledge

All of Us Research Program, National Institutes of Health
Classification: Uncertain significance for Malignant hyperthermia, susceptibility to, 5. Last evaluated: 2024-01-11. Review status: criteria provided, single submitter. Criteria: ACMG Guidelines, 2015. Collection method: clinical testing. Allele origin: germline. Inheritance: Autosomal dominant inheritance. Observed: 2 variant alleles, 2 heterozygotes.
Comment: This missense variant replaces phenylalanine with leucine at codon 1523 of the CACNA1S protein. Computational prediction suggests that this variant may not impact protein structure and function (internally defined REVEL score threshold <= 0.5, PMID: 27666373). To our knowledge, functional studies have not been reported for this variant. This variant has not been reported in individuals affected with CACNA1S-related disorders in the literature. This variant has not been identified in the general population by the Genome Aggregation Database (gnomAD). The available evidence is insufficient to determine the role of this variant in disease conclusively. Therefore, this variant is classified as a Variant of Uncertain Significance.

This study involves interpretation of variants in research participants for the purpose of population health screening. Participant phenotype was not available at the time of variant classification. Additional details can be found in publication PMID: 35346344, PMCID: PMC8962531

Genome-Nilou Lab
Classification: Uncertain significance for Malignant hyperthermia, susceptibility to, 5. Last evaluated: 2023-04-11. Review status: criteria provided, single submitter. Criteria: ACMG Guidelines, 2015. Collection method: clinical testing. Allele origin: germline. Affected: no.

Genome-Nilou Lab
Classification: Uncertain significance for Thyrotoxic periodic paralysis, susceptibility to, 1. Last evaluated: 2023-04-11. Review status: criteria provided, single submitter. Criteria: ACMG Guidelines, 2015. Collection method: clinical testing. Allele origin: germline. Affected: no.

Genome-Nilou Lab
Classification: Uncertain significance for Congenital myopathy 18. Last evaluated: 2023-04-11. Review status: criteria provided, single submitter. Criteria: ACMG Guidelines, 2015. Collection method: clinical testing. Allele origin: germline. Affected: no.

Genome-Nilou Lab
Classification: Uncertain significance for Hypokalemic periodic paralysis, type 1. Last evaluated: 2023-04-11. Review status: criteria provided, single submitter. Criteria: ACMG Guidelines, 2015. Collection method: clinical testing. Allele origin: germline. Affected: no.

Fulgent Genetics
Classification: Uncertain significance for Hypokalemic periodic paralysis, type 1; Thyrotoxic periodic paralysis, susceptibility to, 1; Malignant hyperthermia, susceptibility to, 5. Last evaluated: 2021-12-23. Review status: criteria provided, single submitter. Criteria: ACMG Guidelines, 2015. Collection method: clinical testing. Allele origin: unknown.